The following is an entry in ClinVar:

NM_001009944.3(PKD1):c.6682_6684delinsCAG (p.Tyr2228Gln)

Gene: PKD1 (polycystin 1, transient receptor potential channel interacting; minus strand). Cytogenetic location: 16p13.3.
Variant type: Indel.
Coding change: c.6682_6684delinsCAG on transcript NM_001009944.3 (MANE Select); coding-DNA positions 6682 to 6684, TAC replaced by CAG.
Protein change: p.Tyr2228Gln; replaces tyrosine 2228 with glutamine.
Molecular consequence: missense variant.
Genome position (GRCh38, 1-based): chr16:2,108,483-2,108,485, GTA replaced by CTG on the plus strand (TAC replaced by CAG on the coding strand, the reverse complement: PKD1 is on the minus strand). VCF-style: chr16-2108483-GTA-CTG. GRCh37 (hg19) VCF-style: chr16-2158484-GTA-CTG.
Other names: c.6682_6684delinsCAG, p.Tyr2228Gln (NM_000296.4); short protein forms Y2228Q.
Identifiers: ClinVar variation 5038199 (VCV005038199.1).
Genomic context (GRCh38, chr16:2,108,483, plus strand): 5'-ATTGGCCTGGATGCTCTGTGTCAGTGGCGTGTCCCCAAATGACACGACAAACACAAAGCA[GTA>CTG]GTGCCCCACAGGCAGCGCCAGCCGCGGCAGCACCAGCCGAGGCCGGCTCACGTCCACGCC-3'
Protein context (NP_001009944.3, residues 2218-2238): LPRLALPVGH[Tyr2228Gln]CFVFVVSFGD

ClinVar aggregate classification (germline): Uncertain significance (1 of 4 stars; one submission).

Conditions:
Polycystic kidney disease, adult type (PKD1). Also called: Polycystic Kidney Disease 1, Autosomal Dominant; POLYCYSTIC KIDNEY DISEASE, ADULT, TYPE I; Polycystic kidney disease 1; Polycystic kidney disease 1, severe; POLYCYSTIC KIDNEY DISEASE 1 WITH OR WITHOUT POLYCYSTIC LIVER DISEASE; Polycystic Kidney, Autosomal Dominant. Identifiers: MedGen C3149841, MONDO:0008263, OMIM 173900.

Submission:

MVZ Medizinische Genetik Mainz
Classification: Uncertain significance for Polycystic kidney disease, adult type. Last evaluated: 2026-01-06. Review status: criteria provided, single submitter. Criteria: UK Practice Guidelines For Variant Classification V4 01 2020. Collection method: clinical testing. Allele origin: germline. Inheritance: Autosomal dominant inheritance. Affected: yes. Observed: 1 variant allele.
Comment: ACMG Criteria: PM2_SUP,PM5_SUP,PP4